The following is an entry in ClinVar:

NM_001447.3(FAT2):c.57G>A (p.Glu19=)

Gene: FAT2 (FAT atypical cadherin 2; minus strand). Cytogenetic location: 5q33.1.
Variant type: single nucleotide variant.
Coding change: c.57G>A on transcript NM_001447.3 (MANE Select); coding-DNA position 57, G replaced by A.
Protein change: p.Glu19=; no amino-acid change (glutamic acid 19 retained).
Molecular consequence: synonymous variant.
Genome position (GRCh38, 1-based): chr5:151,568,875, C>T on the plus strand (G>A on the coding strand, the complement: FAT2 is on the minus strand). VCF-style: chr5-151568875-C-T. GRCh37 (hg19) VCF-style: chr5-150948436-C-T.
Identifiers: ClinVar variation 2655972 (VCV002655972.24), dbSNP rs1297368746, ClinGen allele CA447182175.

ClinVar aggregate classification (germline): Likely benign (1 of 4 stars; one submission).

Allele frequency attached by ClinVar (database versions not stated): gnomAD exomes below 0.00001; TOPMed 0.00001.
gnomAD v4.1: 1 of 1,613,988 alleles (0.000062%); highest among the groups gnomAD compares: Non-Finnish European, 0.000085%; no homozygotes.

Submission:

CeGaT Center for Human Genetics Tuebingen
Classification: Likely benign. Last evaluated: 2022-11-01. Review status: criteria provided, single submitter. Criteria: CeGaT Center For Human Genetics Tuebingen Variant Classification Criteria Version 2. Collection method: clinical testing. Allele origin: germline. Affected: yes. Observed: 1 variant allele.
Comment: FAT2: PM2:Supporting, BP4, BP7